The following is an entry in ClinVar:

NM_033409.4(SLC52A3):c.722T>G (p.Leu241Arg)

Gene: SLC52A3 (solute carrier family 52 member 3; minus strand). Cytogenetic location: 20p13.
Variant type: single nucleotide variant.
Coding change: c.722T>G on transcript NM_033409.4 (MANE Select); coding-DNA position 722, T replaced by G.
Protein change: p.Leu241Arg; replaces leucine 241 with arginine.
Molecular consequence: missense variant.
Genome position (GRCh38, 1-based): chr20:763,849, A>C on the plus strand (T>G on the coding strand, the complement: SLC52A3 is on the minus strand). VCF-style: chr20-763849-A-C. GRCh37 (hg19) VCF-style: chr20-744493-A-C.
Other names: c.722T>G, p.Leu241Arg (NM_001370085.1, NM_001370086.1); short protein forms L241R.
Identifiers: ClinVar variation 3731494 (VCV003731494.1).

ClinVar aggregate classification (germline): Uncertain significance (1 of 4 stars; one submission).

Conditions:
Brown-Vialetto-van Laere syndrome 1. Also called: BULBAR PALSY, PROGRESSIVE, WITH SENSORINEURAL DEAFNESS; PONTOBULBAR PALSY WITH DEAFNESS; BROWN-VIALETTO-VAN LAERE SYNDROME 1, MILD. Identifiers: Orphanet 572550, Orphanet 97229, MedGen C0796274, MONDO:0024537, OMIM 211530.

Submission:

Neuberg Centre For Genomic Medicine, NCGM
Classification: Uncertain significance for Brown-Vialetto-van Laere syndrome 1. Last evaluated: 2023-06-22. Review status: criteria provided, single submitter. Criteria: ACMG Guidelines, 2015. Collection method: clinical testing. Allele origin: germline. Inheritance: Autosomal recessive inheritance. Affected: yes.
Comment: The missense c.722T>G(p.Leu241Arg) variant in SLC52A3 gene has not been reported previously as a pathogenic variant nor as a benign variant, to our knowledge. The p.Leu241Arg variant is absent in gnomAD Exomes. This variant has not been submitted to the ClinVar database. Multiple lines of computational evidences (Polyphen - Probably damaging, SIFT - Damaging and MutationTaster - Disease causing) predict a damaging effect on protein structure and function for this variant. The reference amino acid at this position on SLC52A3 gene is predicted as conserved by GERP++ and PhyloP across 100 vertebrates. The amino acid Leu at position 241 is changed to a Arg changing protein sequence and it might alter its composition and physico-chemical properties. For these reasons, this variant has been classified as a Variant of Uncertain Significance (VUS). In absence of another reportable variant in SLC52A3 gene, the molecular diagnosis is not confirmed.